The following is an entry in ClinVar:

ClinVar aggregate classification (germline): Likely pathogenic (1 of 4 stars; one submission).

Conditions:
Neurofibromatosis, type 1 (NF1). Also called: Peripheral type neurofibromatosis; VON RECKLINGHAUSEN DISEASE; NEUROFIBROMATOSIS, TYPE I, SOMATIC; Neurofibromatosis, type I. Identifiers: Orphanet 636, MedGen C0027831, MONDO:0018975, OMIM 162200. Disease mechanism: loss of function.

Submission:

Labcorp Genetics (formerly Invitae), Labcorp
Classification: Likely pathogenic for Neurofibromatosis, type 1. Last evaluated: 2024-07-26. Review status: criteria provided, single submitter. Criteria: Invitae Variant Classification Sherloc (09022015). Collection method: clinical testing. Allele origin: germline.
Comment: This sequence change affects a splice site in intron 46 of the NF1 gene. It is expected to disrupt RNA splicing. Variants that disrupt the donor or acceptor splice site typically lead to a loss of protein function (PMID: 16199547), and loss-of-function variants in NF1 are known to be pathogenic (PMID: 10712197, 23913538). This variant is not present in population databases (gnomAD no frequency). Disruption of this splice site has been observed in individual(s) with clinical features of neurofibromatosis type I (Invitae). Algorithms developed to predict the effect of sequence changes on RNA splicing suggest that this variant may disrupt the consensus splice site. In summary, the currently available evidence indicates that the variant is pathogenic, but additional data are needed to prove that conclusively. Therefore, this variant has been classified as Likely Pathogenic.

Literature cited by the submitters: PubMed 16199547; PubMed 10712197; PubMed 23913538.

NM_001042492.3(NF1):c.7063-6_7063-2del

Gene: NF1 (neurofibromin 1; plus strand). Cytogenetic location: 17q11.2.
Variant type: Deletion.
Coding change: c.7063-6_7063-2del on transcript NM_001042492.3 (MANE Select); 6 bases into the intron before coding-DNA position 7063 through the canonical splice acceptor site of the intron before coding-DNA position 7063, 5 bases deleted (TAATA; older notation c.7063-6_7063-2delTAATA).
Molecular consequence: splice acceptor variant.
Genome position (GRCh38, 1-based): chr17:31,343,003-31,343,007, TAATA deleted. VCF-style (leftmost placement, unchanged base first): chr17-31343002-TTAATA-T. GRCh37 (hg19) VCF-style: chr17-29670020-TTAATA-T.
Other names: c.7000-6_7000-2del (NM_000267.4).
Identifiers: ClinVar variation 3660646 (VCV003660646.2).